The following is an entry in ClinVar:

ClinVar aggregate classification (germline): Pathogenic (1 of 4 stars; one submission).

Conditions:
Ataxia-telangiectasia syndrome (AT). Also called: Ataxia-telangiectasia; LOUIS-BAR SYNDROME; Ataxia-telangiectasia, complementation group D; AT, COMPLEMENTATION GROUP C; ATAXIA-TELANGIECTASIA, COMPLEMENTATION GROUP A; ATAXIA-TELANGIECTASIA, FRESNO VARIANT. Identifiers: Orphanet 100, MedGen C0004135, MONDO:0008840, OMIM 208900.

Submission:

Labcorp Genetics (formerly Invitae), Labcorp
Classification: Pathogenic for Ataxia-telangiectasia syndrome. Last evaluated: 2021-03-29. Review status: criteria provided, single submitter. Criteria: Invitae Variant Classification Sherloc (09022015). Collection method: clinical testing. Allele origin: germline.
Comment: This variant has not been reported in the literature in individuals with ATM-related conditions. For these reasons, this variant has been classified as Pathogenic. This variant is not present in population databases (ExAC no frequency). This sequence change creates a premature translational stop signal (p.Gln2442Hisfs*13) in the ATM gene. It is expected to result in an absent or disrupted protein product. Loss-of-function variants in ATM are known to be pathogenic (PMID: 23807571, 25614872).

Literature cited by the submitters: PubMed 23807571; PubMed 25614872.

NM_000051.4(ATM):c.7325_7326insCAACCAACACA (p.Gln2442fs)

Genes: ATM (ATM serine/threonine kinase; plus strand), C11orf65 (chromosome 11 open reading frame 65; minus strand). Cytogenetic location: 11q22.3.
Variant type: Microsatellite.
Coding change: c.7325_7326insCAACCAACACA on transcript NM_000051.4 (MANE Select); coding-DNA positions 7325 to 7326, CAACCAACACA inserted.
Protein change: p.Gln2442fs; shifts the reading frame from glutamine 2442.
Molecular consequence: frameshift variant. On other transcripts: intron variant (2).
Genome position: GRCh38 VCF-style: chr11-108330229-T-TCACAACCAACA. GRCh37 (hg19) VCF-style: chr11-108200956-T-TCACAACCAACA.
Other names: c.7325_7326insCAACCAACACA, p.Gln2442fs (NM_001351834.2); c.641-21159_641-21158insTGTGTTGGTTG (NM_001330368.2); c.*38+4990_*38+4991insTGTGTTGGTTG (NM_001351110.2); short protein forms Q2442fs.
Identifiers: ClinVar variation 1400654 (VCV001400654.7), dbSNP rs2136452719.